The following is an entry in ClinVar:

NM_000038.6(APC):c.1088A>C (p.Asn363Thr)

Gene: APC (APC regulator of Wnt signaling pathway; plus strand). Cytogenetic location: 5q22.2.
Variant type: single nucleotide variant.
Coding change: c.1088A>C on transcript NM_000038.6 (MANE Select); coding-DNA position 1088, A replaced by C.
Protein change: p.Asn363Thr; replaces asparagine 363 with threonine.
Molecular consequence: missense variant. On other transcripts: non-coding transcript variant (2), intron variant (15).
Genome position (GRCh38, 1-based): chr5:112,819,120, A>C. VCF-style: chr5-112819120-A-C. GRCh37 (hg19) VCF-style: chr5-112154817-A-C.
Other names: c.1088A>C, p.Asn363Thr (NM_001127510.3, NM_001354895.2, NM_001354896.2 and 4 more transcripts); c.1034A>C, p.Asn345Thr (NM_001127511.3); c.1118A>C, p.Asn373Thr (NM_001354897.2, NM_001407446.1); c.1013A>C, p.Asn338Thr (NM_001354898.2, NM_001407451.1); c.1004A>C, p.Asn335Thr (NM_001354899.2, NM_001407452.1); c.911A>C, p.Asn304Thr (NM_001354900.2, NM_001354901.2, NM_001407453.1); c.239A>C, p.Asn80Thr (NM_001354906.2, NM_001407470.1); c.85-149A>C (NM_001407472.1, NM_001407471.1); and 5 more; short protein forms N304T, N80T, N338T, N373T, N335T, N345T, N363T.
Identifiers: ClinVar variation 3929730 (VCV003929730.1).

ClinVar aggregate classification (germline): Uncertain significance (1 of 4 stars; one submission).

Conditions:
Hereditary cancer-predisposing syndrome. Also called: Hereditary Cancer Syndrome; Hereditary neoplastic syndrome; Neoplastic Syndromes, Hereditary; Tumor predisposition. Identifiers: Orphanet 140162, MedGen C0027672, MeSH D009386, MONDO:0015356.

Submission:

Ambry Genetics
Classification: Uncertain significance for Hereditary cancer-predisposing syndrome. Last evaluated: 2025-05-31. Review status: criteria provided, single submitter. Criteria: Ambry Variant Classification Scheme 2023. Collection method: clinical testing. Allele origin: germline.
Comment: The p.N363T variant (also known as c.1088A>C), located in coding exon 9 of the APC gene, results from an A to C substitution at nucleotide position 1088. The asparagine at codon 363 is replaced by threonine, an amino acid with similar properties. This amino acid position is conserved. In addition, in silico predictors for this gene do not accurately predict pathogenicity. Based on the available evidence, the clinical significance of this variant remains unclear.